The following is an entry in ClinVar:

ClinVar aggregate classification (germline): Uncertain significance (1 of 4 stars; one submission).

Submission:

Ambry Genetics
Classification: Uncertain significance. Last evaluated: 2025-07-07. Review status: criteria provided, single submitter. Criteria: Ambry Variant Classification Scheme 2023. Collection method: clinical testing. Allele origin: germline.
Comment: The p.V92I variant (also known as c.274G>A), located in coding exon 4 of the FAM175A gene, results from a G to A substitution at nucleotide position 274. The valine at codon 92 is replaced by isoleucine, an amino acid with highly similar properties. This amino acid position is conserved. In addition, this alteration is predicted to be tolerated by in silico analysis. Based on the available evidence, the clinical significance of this variant remains unclear.

NM_139076.3(ABRAXAS1):c.274G>A (p.Val92Ile)

Gene: ABRAXAS1 (abraxas 1, BRCA1 A complex subunit; minus strand). Cytogenetic location: 4q21.23.
Variant type: single nucleotide variant.
Coding change: c.274G>A on transcript NM_139076.3 (MANE Select); coding-DNA position 274, G replaced by A.
Protein change: p.Val92Ile; replaces valine 92 with isoleucine.
Molecular consequence: missense variant. On other transcripts: intron variant (1).
Genome position (GRCh38, 1-based): chr4:83,472,230, C>T on the plus strand (G>A on the coding strand, the complement: ABRAXAS1 is on the minus strand). VCF-style: chr4-83472230-C-T. GRCh37 (hg19) VCF-style: chr4-84393383-C-T.
Other names: c.-45-1834G>A (NM_001345962.2); short protein forms V92I.
Identifiers: ClinVar variation 4185079 (VCV004185079.1).